The following is an entry in ClinVar:

ClinVar aggregate classification (germline): Uncertain significance (1 of 4 stars; one submission).

Conditions:
DNAH10-related disorder. Also called: DNAH10-related condition.

Allele frequency attached by ClinVar (database versions not stated): gnomAD 0.00056; ESP Exome Variant Server 0.00057; TOPMed 0.00064; gnomAD exomes 0.00073; ExAC 0.00090.
gnomAD v4.1: 1,155 of 1,611,812 alleles (0.072%); highest among the groups gnomAD compares: Non-Finnish European, 0.087%; no homozygotes.

Submission:

PreventionGenetics, part of Exact Sciences
Classification: Uncertain significance for DNAH10-related condition. Last evaluated: 2022-12-28. Review status: criteria provided, single submitter. Criteria: ACMG Guidelines, 2015. Collection method: clinical testing. Allele origin: germline.
Comment: The DNAH10 c.9571C>G variant is predicted to result in the amino acid substitution p.Pro3191Ala. To our knowledge, this variant has not been reported in the literature. This variant is reported in 0.22% of alleles in individuals of Ashkenazi Jewish descent in gnomAD. Although we suspect that this variant may be benign, at this time, the clinical significance of this variant is uncertain due to the absence of conclusive functional and genetic evidence.

NM_001372106.1(DNAH10):c.9925C>G (p.Pro3309Ala)

Gene: DNAH10 (dynein axonemal heavy chain 10; plus strand). Cytogenetic location: 12q24.31.
Variant type: single nucleotide variant.
Coding change: c.9925C>G on transcript NM_001372106.1 (MANE Select); coding-DNA position 9925, C replaced by G.
Protein change: p.Pro3309Ala; replaces proline 3309 with alanine.
Molecular consequence: missense variant.
Genome position (GRCh38, 1-based): chr12:123,909,370, C>G. VCF-style: chr12-123909370-C-G. GRCh37 (hg19) VCF-style: chr12-124393917-C-G.
Other names: c.9571C>G, p.Pro3191Ala (NM_001083900.1, NM_207437.3); short protein forms P3191A, P3309A.
Identifiers: ClinVar variation 2628866 (VCV002628866.1), dbSNP rs201747286, ClinGen allele CA6865243.